The following is an entry in ClinVar:

ClinVar aggregate classification (germline): Uncertain significance (1 of 4 stars; one submission).

Conditions:
Hereditary cancer-predisposing syndrome. Also called: Hereditary Cancer Syndrome; Hereditary neoplastic syndrome; Neoplastic Syndromes, Hereditary; Tumor predisposition. Identifiers: Orphanet 140162, MedGen C0027672, MeSH D009386, MONDO:0015356.

Allele frequency attached by ClinVar (database versions not stated): gnomAD exomes below 0.00001.
gnomAD v4.1: 1 of 1,614,196 alleles (0.000062%); highest among the groups gnomAD compares: African/African-American, 0.0013%; no homozygotes.

Submission:

Ambry Genetics
Classification: Uncertain significance for Hereditary cancer-predisposing syndrome. Last evaluated: 2023-08-25. Review status: criteria provided, single submitter. Criteria: Ambry Variant Classification Scheme 2023. Collection method: clinical testing. Allele origin: germline.
Comment: The p.D346E variant (also known as c.1038C>G), located in coding exon 6 of the CTNNA1 gene, results from a C to G substitution at nucleotide position 1038. The aspartic acid at codon 346 is replaced by glutamic acid, an amino acid with highly similar properties. This amino acid position is highly conserved in available vertebrate species. In addition, this alteration is predicted to be tolerated by in silico analysis. The evidence for this gene-disease relationship is limited; therefore, the clinical significance of this alteration is unclear.

NM_001903.5(CTNNA1):c.1038C>G (p.Asp346Glu)

Gene: CTNNA1 (catenin alpha 1; plus strand). Cytogenetic location: 5q31.2.
Variant type: single nucleotide variant.
Coding change: c.1038C>G on transcript NM_001903.5 (MANE Select); coding-DNA position 1038, C replaced by G.
Protein change: p.Asp346Glu; replaces aspartic acid 346 with glutamic acid.
Molecular consequence: missense variant.
Genome position (GRCh38, 1-based): chr5:138,827,694, C>G. VCF-style: chr5-138827694-C-G. GRCh37 (hg19) VCF-style: chr5-138163383-C-G.
Other names: c.1038C>G, p.Asp346Glu (NM_001290307.3, NM_001323982.2, NM_001323983.1 and 3 more transcripts); c.729C>G, p.Asp243Glu (NM_001290309.3); c.669C>G, p.Asp223Glu (NM_001290310.3); short protein forms D243E, D223E, D346E.
Identifiers: ClinVar variation 1773119 (VCV001773119.3), dbSNP rs2532448299, ClinGen allele CA361131263.
Genomic context (GRCh38, chr5:138,827,694, plus strand): 5'-TGATGACCGTCGTGAGCGAATTGTGGCAGAGTGTAATGCTGTCCGCCAGGCCCTGCAGGA[C>G]CTGCTTTCGGAGTACATGGGCAATGTGAGTTTGACAGCTTTTCTTTGAAGTAAGATATTT-3'
Protein context (NP_001894.2, residues 336-356): ECNAVRQALQ[Asp346Glu]LLSEYMGNAG